The following is an entry in ClinVar:

NM_000297.4(PKD2):c.282del (p.Phe94fs)

Genes: PKD2 (polycystin 2, transient receptor potential cation channel; plus strand), LOC129992813 (ATAC-STARR-seq lymphoblastoid silent region 15559; plus strand). Cytogenetic location: 4q22.1.
Variant type: Deletion.
Coding change: c.282del on transcript NM_000297.4 (MANE Select); coding-DNA position 282, one base deleted (C; older notation c.282delC).
Protein change: p.Phe94fs; shifts the reading frame from phenylalanine 94.
Molecular consequence: frameshift variant. On other transcripts: non-coding transcript variant (1).
Genome position (GRCh38, 1-based): chr4:88,008,015, C deleted. VCF-style (leftmost placement, unchanged base first): chr4-88008014-TC-T. GRCh37 (hg19) VCF-style: chr4-88929166-TC-T.
Other names: short protein forms F94fs.
Identifiers: ClinVar variation 1996962 (VCV001996962.4), dbSNP rs2476357618, ClinGen allele CA2578140404.

ClinVar aggregate classification (germline): Pathogenic (1 of 4 stars; one submission).

Conditions:
Autosomal dominant polycystic kidney disease. Identifiers: Orphanet 730, MedGen C0085413, MONDO:0004691.

Submission:

Labcorp Genetics (formerly Invitae), Labcorp
Classification: Pathogenic for Autosomal dominant polycystic kidney disease. Last evaluated: 2022-12-06. Review status: criteria provided, single submitter. Criteria: Invitae Variant Classification Sherloc (09022015). Collection method: clinical testing. Allele origin: germline.
Comment: This variant is not present in population databases (gnomAD no frequency). This variant has not been reported in the literature in individuals affected with PKD2-related conditions. For these reasons, this variant has been classified as Pathogenic. This sequence change creates a premature translational stop signal (p.Phe94Leufs*23) in the PKD2 gene. It is expected to result in an absent or disrupted protein product. Loss-of-function variants in PKD2 are known to be pathogenic (PMID: 17582161, 22863349).

Literature cited by the submitters: PubMed 17582161; PubMed 22863349.